The following is an entry in ClinVar:

NM_005732.4(RAD50):c.2636C>G (p.Thr879Ser)

Gene: RAD50 (RAD50 double strand break repair protein; plus strand). Cytogenetic location: 5q31.1.
Variant type: single nucleotide variant.
Coding change: c.2636C>G on transcript NM_005732.4 (MANE Select); coding-DNA position 2636, C replaced by G.
Protein change: p.Thr879Ser; replaces threonine 879 with serine.
Molecular consequence: missense variant.
Genome position (GRCh38, 1-based): chr5:132,604,917, C>G. VCF-style: chr5-132604917-C-G. GRCh37 (hg19) VCF-style: chr5-131940609-C-G.
Other names: short protein forms T879S.
Identifiers: ClinVar variation 234034 (VCV000234034.17), dbSNP rs876660806, ClinGen allele CA10578572.

ClinVar aggregate classification (germline): Uncertain significance. Review status: criteria provided, multiple submitters, no conflicts (2 of 4 stars). 4 submissions from 4 submitters: Uncertain significance (4). Last evaluated 2025-03-26.

Conditions:
Hereditary cancer-predisposing syndrome. Also called: Neoplastic Syndromes, Hereditary; Tumor predisposition; Hereditary Cancer Syndrome; Hereditary neoplastic syndrome. Identifiers: Orphanet 140162, MedGen C0027672, MeSH D009386, MONDO:0015356.
Nijmegen breakage syndrome-like disorder (NBSLD). Also called: MICROCEPHALY AND SPONTANEOUS CHROMOSOME INSTABILITY WITHOUT IMMUNODEFICIENCY; NBS-LIKE DISORDER; RAD50 DEFICIENCY. Identifiers: Orphanet 240760, MedGen C2751318, MONDO:0013118, OMIM 613078.

Allele frequency attached by ClinVar (database versions not stated): gnomAD exomes below 0.00001; gnomAD 0.00001.
gnomAD v4.1: 2 of 1,613,774 alleles (0.00012%); highest among the groups gnomAD compares: Non-Finnish European, 0.00017%; no homozygotes.

Submissions (4):

Quest Diagnostics Nichols Institute San Juan Capistrano
Classification: Uncertain significance. Last evaluated: 2025-03-26. Review status: criteria provided, single submitter. Criteria: Quest Diagnostics criteria. Collection method: clinical testing. Allele origin: unknown.
Comment: The RAD50 c.2636C>G (p.Thr879Ser) variant has not been reported in individuals with RAD50-related conditions in the published literature. The frequency of this variant in the general population (Genome Aggregation Database) is uninformative in the assessment of its pathogenicity. Analysis of this variant using bioinformatics tools for the prediction of the effect of amino acid changes on protein structure and function yielded conflicting predictions that this variant is deleterious or benign. Based on the available information, we are unable to determine the clinical significance of this variant.

Baylor Genetics
Classification: Uncertain significance for Nijmegen breakage syndrome-like disorder. Last evaluated: 2023-06-21. Review status: criteria provided, single submitter. Criteria: ACMG Guidelines, 2015. Collection method: clinical testing. Allele origin: unknown.

Labcorp Genetics (formerly Invitae), Labcorp
Classification: Uncertain significance for Hereditary cancer-predisposing syndrome. Last evaluated: 2022-10-27. Review status: criteria provided, single submitter. Criteria: Invitae Variant Classification Sherloc (09022015). Collection method: clinical testing. Allele origin: germline.
Comment: In summary, the available evidence is currently insufficient to determine the role of this variant in disease. Therefore, it has been classified as a Variant of Uncertain Significance. Advanced modeling of protein sequence and biophysical properties (such as structural, functional, and spatial information, amino acid conservation, physicochemical variation, residue mobility, and thermodynamic stability) performed at Invitae indicates that this missense variant is not expected to disrupt RAD50 protein function. ClinVar contains an entry for this variant (Variation ID: 234034). This variant has not been reported in the literature in individuals affected with RAD50-related conditions. This variant is present in population databases (no rsID available, gnomAD 0.007%). This sequence change replaces threonine, which is neutral and polar, with serine, which is neutral and polar, at codon 879 of the RAD50 protein (p.Thr879Ser).

Ambry Genetics
Classification: Uncertain significance for Hereditary cancer-predisposing syndrome. Last evaluated: 2015-09-24. Review status: criteria provided, single submitter. Criteria: Ambry Variant Classification Scheme 2023. Collection method: clinical testing. Allele origin: germline.
Comment: The p.T879S variant (also known as c.2636C>G), located in coding exon 16 of the RAD50 gene, results from a C to G substitution at nucleotide position 2636. The threonine at codon 879 is replaced by serine, an amino acid with similar properties. This variant was not reported in population based cohorts in the following databases: Database of Single Nucleotide Polymorphisms (dbSNP), NHLBI Exome Sequencing Project (ESP), and 1000 Genomes Project. In the ESP, this variant was not observed in 6503 samples (13006 alleles) with coverage at this position. To date, this alteration has been detected with an allele frequency of approximately 0.002% (greater than 65000 alleles tested) in our clinical cohort.This amino acid position is not well conserved however, serine is a reference amino acid in several species. In addition, this alteration is predicted to be tolerated by in silico analysis. Since supporting evidence for this variant is limited at this time, the clinical significance of p.T879S remains unclear.